The following is an entry in ClinVar:

NM_003722.5(TP63):c.1454A>G (p.Gln485Arg)

Gene: TP63 (tumor protein p63; plus strand). Cytogenetic location: 3q28.
Variant type: single nucleotide variant.
Coding change: c.1454A>G on transcript NM_003722.5 (MANE Select); coding-DNA position 1454, A replaced by G.
Protein change: p.Gln485Arg; replaces glutamine 485 with arginine.
Molecular consequence: missense variant.
Genome position (GRCh38, 1-based): chr3:189,886,498, A>G. VCF-style: chr3-189886498-A-G. GRCh37 (hg19) VCF-style: chr3-189604287-A-G.
Other names: c.1454A>G, p.Gln485Arg (NM_001114978.2, NM_001329144.2); c.1172A>G, p.Gln391Arg (NM_001114980.2, NM_001114981.2, NM_001329145.2); c.917A>G, p.Gln306Arg (NM_001329146.2); c.1442A>G, p.Gln481Arg (NM_001329148.2); c.1160A>G, p.Gln387Arg (NM_001329149.2); c.905A>G, p.Gln302Arg (NM_001329150.2); c.1448A>G, p.Gln483Arg (NM_001329964.2); short protein forms Q302R, Q306R, Q387R, Q391R, Q481R, Q483R, Q485R.
Identifiers: ClinVar variation 1721663 (VCV001721663.4), dbSNP rs2474696170, ClinGen allele CA355757471.
Genomic context (GRCh38, chr3:189,886,498, plus strand): 5'-CTCTGAACAAAATGAACAGCATGAACAAGCTGCCTTCTGTGAGCCAGCTTATCAACCCTC[A>G]GCAGCGCAACGCCCTCACTCCTACAACCATTCCTGATGGCATGGGAGCCAACAGTAAGAG-3'
Protein context (NP_003713.3, residues 475-495): LPSVSQLINP[Gln485Arg]QRNALTPTTI

ClinVar aggregate classification (germline): Uncertain significance (1 of 4 stars; one submission).

Conditions:
TP63-Related Spectrum Disorders.

Allele frequency attached by ClinVar (database versions not stated): gnomAD exomes below 0.00001.
gnomAD v4.1: 1 of 1,614,108 alleles (0.000062%); highest among the groups gnomAD compares: Non-Finnish European, 0.000085%; no homozygotes.

Submission:

Labcorp Genetics (formerly Invitae), Labcorp
Classification: Uncertain significance. Last evaluated: 2022-10-23. Review status: criteria provided, single submitter. Criteria: Invitae Variant Classification Sherloc (09022015). Collection method: clinical testing. Allele origin: germline.
Comment: This sequence change replaces glutamine, which is neutral and polar, with arginine, which is basic and polar, at codon 485 of the TP63 protein (p.Gln485Arg). This variant is not present in population databases (gnomAD no frequency). This variant has not been reported in the literature in individuals affected with TP63-related conditions. Advanced modeling of protein sequence and biophysical properties (such as structural, functional, and spatial information, amino acid conservation, physicochemical variation, residue mobility, and thermodynamic stability) has been performed at Invitae for this missense variant, however the output from this modeling did not meet the statistical confidence thresholds required to predict the impact of this variant on TP63 protein function. In summary, the available evidence is currently insufficient to determine the role of this variant in disease. Therefore, it has been classified as a Variant of Uncertain Significance.